The following is an entry in ClinVar:

NM_018100.4(EFHC1):c.1314del (p.Phe438fs)

Gene: EFHC1 (EF-hand domain containing 1; plus strand). Cytogenetic location: 6p12.2.
Variant type: Deletion.
Coding change: c.1314del on transcript NM_018100.4 (MANE Select); coding-DNA position 1314, one base deleted (T; older notation c.1314delT).
Protein change: p.Phe438fs; shifts the reading frame from phenylalanine 438.
Molecular consequence: frameshift variant. On other transcripts: non-coding transcript variant (1).
Genome position (GRCh38, 1-based): chr6:52,479,072, T deleted; the last of 3 consecutive T bases (chr6:52,479,070-52,479,072); deleting any one gives the same sequence. VCF-style (leftmost placement, unchanged base first): chr6-52479069-AT-A. GRCh37 (hg19) VCF-style: chr6-52343867-AT-A.
Other names: c.1257del, p.Phe419fs (NM_001172420.2); c.1312delT (NM_018100.3); c.1312del (NM_018100.3); short protein forms F419fs, F438fs.
Identifiers: ClinVar variation 205420 (VCV000205420.2), dbSNP rs796052421, ClinGen allele CA314473.
Genomic context (GRCh38, chr6:52,479,069, plus strand): 5'-TAATATCCTCTTTTCTTCACCTTTGTAGGAATCCCCCATCCCAGAAGACAAAGACCGCAG[AT>A]TTGTCTTCTCTTACTTTCTAGCTACCGACATGATCAGTATCTTTGAGCCTCCTGTTCGCA-3'

ClinVar aggregate classification (germline): Pathogenic (1 of 4 stars; one submission).

Submission:

GeneDx
Classification: Pathogenic. Last evaluated: 2015-03-03. Review status: criteria provided, single submitter. Criteria: GeneDx Variant Classification Process June 2021. Collection method: clinical testing. Allele origin: germline. Affected: yes.
Comment: c.1314delT:p.Phe438LeufsX7 (F438LfsX7) in exon 8 of the EFHC1 gene (NM_018100.3). The c.1314delT mutation in the EFHC1 gene causes a frameshift starting with codon Phenylalanine 438, changes this amino acid to a Leucine residue and creates a premature Stop codon at position 7 of the new reading frame, denoted p.Phe438LeufsX7. This mutation is predicted to cause loss of normal protein function either through protein truncation or nonsense-mediated mRNA decay. Although this mutation has not been previously reported to our knowledge, it is expected to be a disease-causing mutation. The variant is found in EPILEPSY panel(s).